The following is an entry in ClinVar:

NM_000075.4(CDK4):c.333C>T (p.Gly111=)

Gene: CDK4 (cyclin dependent kinase 4; minus strand). Cytogenetic location: 12q14.1.
Variant type: single nucleotide variant.
Coding change: c.333C>T on transcript NM_000075.4 (MANE Select); coding-DNA position 333, C replaced by T.
Protein change: p.Gly111=; no amino-acid change (glycine 111 retained).
Molecular consequence: synonymous variant.
Genome position (GRCh38, 1-based): chr12:57,751,228, G>A on the plus strand (C>T on the coding strand, the complement: CDK4 is on the minus strand). VCF-style: chr12-57751228-G-A. GRCh37 (hg19) VCF-style: chr12-58145011-G-A.
Identifiers: ClinVar variation 844089 (VCV000844089.8), dbSNP rs1595110689, ClinGen allele CA480404571.
Genomic context (GRCh38, chr12:57,751,228, plus strand): 5'-GTCCCAATCCACCTCTCAATGCCTACCAACCCCACTCACCTTGATCGTTTCGGCTGGCAA[G>A]CCTGGTGGGGGTGCCTTGTCCAGATATGTCCTTAGGTCCTGGTCTACATGCTCAAACACC-3'
Protein context (NP_000066.1, residues 101-121): RTYLDKAPPP[Gly111=]LPAETIKDLM

ClinVar aggregate classification (germline): Conflicting classifications of pathogenicity. Review status: criteria provided, conflicting classifications (1 of 4 stars). 2 submissions from 2 submitters: Uncertain significance (1); Likely benign (1). Last evaluated 2025-06-01.

Conditions:
Hereditary cancer-predisposing syndrome. Also called: Hereditary Cancer Syndrome; Hereditary neoplastic syndrome; Tumor predisposition; Neoplastic Syndromes, Hereditary. Identifiers: Orphanet 140162, MedGen C0027672, MeSH D009386, MONDO:0015356.
Familial melanoma. Also called: Hereditary melanoma; Hereditary cutaneous melanoma. Identifiers: Orphanet 618, MedGen C1512419, MONDO:0018961.

Submissions (2):

Labcorp Genetics (formerly Invitae), Labcorp
Classification: Likely benign for Familial melanoma. Last evaluated: 2025-06-01. Review status: criteria provided, single submitter. Criteria: Invitae Variant Classification Sherloc (09022015). Collection method: clinical testing. Allele origin: germline.

Ambry Genetics
Classification: Uncertain significance for Hereditary cancer-predisposing syndrome. Last evaluated: 2025-01-17. Review status: criteria provided, single submitter. Criteria: Ambry Variant Classification Scheme 2023. Collection method: clinical testing. Allele origin: germline.
Comment: The c.333C>T variant (also known as p.G111G), located in coding exon 2 of the CDK4 gene, results from a C to T substitution at nucleotide position 333. This nucleotide substitution does not change the glycine at codon 111. This nucleotide position is not well conserved in available vertebrate species. In silico splice site analysis for this alteration is inconclusive. Based on the available evidence, the clinical significance of this variant remains unclear.